The following is an entry in ClinVar:

ClinVar aggregate classification (germline): Benign (1 of 4 stars; one submission).

Conditions:
Congenital stationary night blindness autosomal dominant 3. Also called: NIGHT BLINDNESS, CONGENITAL STATIONARY, NOUGARET TYPE. Identifiers: Orphanet 215, MedGen C1864870, MONDO:0012497, OMIM 610444.

Allele frequency attached by ClinVar (database versions not stated): gnomAD 0.00035 and 0.00041; TOPMed 0.00039; 1000 Genomes Project 30x 0.00203; 1000 Genomes Project 0.00220.
gnomAD v4.1: 62 of 152,246 alleles (0.041%); highest among the groups gnomAD compares: East Asian, 0.52%; 1 homozygote.

Submission:

Illumina Laboratory Services, Illumina
Classification: Benign for Congenital stationary night blindness autosomal dominant 3. Last evaluated: 2018-01-13. Review status: criteria provided, single submitter. Criteria: ICSL Variant Classification Criteria 13 December 2019. Collection method: clinical testing. Allele origin: germline.
Comment: This variant was observed in the ICSL laboratory as part of a predisposition screen in an ostensibly healthy population. It had not been previously curated by ICSL or reported in the Human Gene Mutation Database (HGMD: prior to June 1st, 2018), and was therefore a candidate for classification through an automated scoring system. Utilizing variant allele frequency, disease prevalence and penetrance estimates, and inheritance mode, an automated score was calculated to assess if this variant is too frequent to cause the disease. Based on the score and internal cut-off values, a variant classified as benign is not then subjected to further curation. The score for this variant resulted in a classification of benign for this disease.

NM_144499.3(GNAT1):c.*1990G>A

Gene: GNAT1 (G protein subunit alpha transducin 1; plus strand). Cytogenetic location: 3p21.31.
Variant type: single nucleotide variant.
Coding change: c.*1990G>A on transcript NM_144499.3 (MANE Select); 1990 bases downstream of the stop codon, G replaced by A.
Molecular consequence: 3 prime UTR variant.
Genome position (GRCh38, 1-based): chr3:50,197,256, G>A. VCF-style: chr3-50197256-G-A. GRCh37 (hg19) VCF-style: chr3-50234689-G-A.
Other names: c.*856G>A (NM_000172.4).
Identifiers: ClinVar variation 903455 (VCV000903455.4), dbSNP rs184223436, ClinGen allele CA74602830.